The following is an entry in ClinVar:

ClinVar aggregate classification (germline): Uncertain significance (1 of 4 stars; one submission).

Conditions:
Intellectual disability, autosomal recessive 53 (NEDHSCA). Also called: NEURODEVELOPMENTAL DISORDER WITH OR WITHOUT HYPOTONIA, SEIZURES, AND CEREBELLAR ATROPHY; GLYCOSYLPHOSPHATIDYLINOSITOL BIOSYNTHESIS DEFECT 13; Mental retardation, autosomal recessive 53. Identifiers: Orphanet 488635, MedGen C4310794, MONDO:0014832, OMIM 616917.

Allele frequency attached by ClinVar (database versions not stated): TOPMed below 0.00001; ExAC 0.00001; gnomAD 0.00001; ESP Exome Variant Server 0.00008.
gnomAD v4.1: 9 of 1,613,944 alleles (0.00056%); highest among the groups gnomAD compares: African/African-American, 0.0027%; no homozygotes.

Submission:

Labcorp Genetics (formerly Invitae), Labcorp
Classification: Uncertain significance for Intellectual disability, autosomal recessive 53. Last evaluated: 2021-07-29. Review status: criteria provided, single submitter. Criteria: Invitae Variant Classification Sherloc (09022015). Collection method: clinical testing. Allele origin: germline.
Comment: This sequence change replaces leucine with glutamine at codon 728 of the PIGG protein (p.Leu728Gln). The leucine residue is moderately conserved and there is a moderate physicochemical difference between leucine and glutamine. This variant is present in population databases (rs148984320, ExAC 0.01%). This variant has not been reported in the literature in individuals affected with PIGG-related conditions. Algorithms developed to predict the effect of missense changes on protein structure and function are either unavailable or do not agree on the potential impact of this missense change (SIFT: "Deleterious"; PolyPhen-2: "Probably Damaging"; Align-GVGD: "Class C0"). Algorithms developed to predict the effect of sequence changes on RNA splicing suggest that this variant may create or strengthen a splice site. In summary, the available evidence is currently insufficient to determine the role of this variant in disease. Therefore, it has been classified as a Variant of Uncertain Significance.

NM_001127178.3(PIGG):c.2183T>A (p.Leu728Gln)

Gene: PIGG (phosphatidylinositol glycan anchor biosynthesis class G (EMM blood group); plus strand). Cytogenetic location: 4p16.3.
Variant type: single nucleotide variant.
Coding change: c.2183T>A on transcript NM_001127178.3 (MANE Select); coding-DNA position 2183, T replaced by A.
Protein change: p.Leu728Gln; replaces leucine 728 with glutamine.
Molecular consequence: missense variant. On other transcripts: non-coding transcript variant (10).
Genome position (GRCh38, 1-based): chr4:527,152, T>A. VCF-style: chr4-527152-T-A. GRCh37 (hg19) VCF-style: chr4-520941-T-A.
Other names: c.1916T>A, p.Leu639Gln (NM_001289051.2, NM_001345986.2); c.1784T>A, p.Leu595Gln (NM_001289052.2); c.1892T>A, p.Leu631Gln (NM_001345987.2); c.1154T>A, p.Leu385Gln (NM_001345988.2); c.650T>A, p.Leu217Gln (NM_001345990.2, NM_001345991.2); c.1085T>A, p.Leu362Gln (NM_001345994.2); c.2159T>A, p.Leu720Gln (NM_017733.5); short protein forms L385Q, L362Q, L631Q, L639Q, L720Q, L595Q, L217Q, L728Q.
Identifiers: ClinVar variation 1499333 (VCV001499333.3), dbSNP rs148984320, ClinGen allele CA2793562.